The following is an entry in ClinVar:

ClinVar aggregate classification (germline): Uncertain significance (1 of 4 stars; one submission).

Allele frequency attached by ClinVar (database versions not stated): TOPMed below 0.00001; gnomAD 0.00001; gnomAD exomes 0.00001.
gnomAD v4.1: 5 of 1,611,954 alleles (0.00031%); highest among the groups gnomAD compares: Non-Finnish European, 0.00042%; no homozygotes.

Submission:

Labcorp Genetics (formerly Invitae), Labcorp
Classification: Uncertain significance. Last evaluated: 2023-02-28. Review status: criteria provided, single submitter. Criteria: Invitae Variant Classification Sherloc (09022015). Collection method: clinical testing. Allele origin: germline.
Comment: In summary, the available evidence is currently insufficient to determine the role of this variant in disease. Therefore, it has been classified as a Variant of Uncertain Significance. An algorithm developed to predict the effect of missense changes on protein structure and function (PolyPhen-2) suggests that this variant is likely to be disruptive. This variant has not been reported in the literature in individuals affected with ARHGEF1-related conditions. This variant is not present in population databases (gnomAD no frequency). This sequence change replaces serine, which is neutral and polar, with phenylalanine, which is neutral and non-polar, at codon 340 of the ARHGEF1 protein (p.Ser340Phe).

NM_004706.4(ARHGEF1):c.974C>T (p.Ser325Phe)

Gene: ARHGEF1 (Rho guanine nucleotide exchange factor 1; plus strand). Cytogenetic location: 19q13.2.
Variant type: single nucleotide variant.
Coding change: c.974C>T on transcript NM_004706.4 (MANE Select); coding-DNA position 974, C replaced by T.
Protein change: p.Ser325Phe; replaces serine 325 with phenylalanine.
Molecular consequence: missense variant. On other transcripts: non-coding transcript variant (2).
Genome position (GRCh38, 1-based): chr19:41,895,445, C>T. VCF-style: chr19-41895445-C-T. GRCh37 (hg19) VCF-style: chr19-42399518-C-T.
Other names: c.974C>T, p.Ser325Phe (NM_001396000.1, NM_001396003.1, NM_001396006.1); c.875C>T, p.Ser292Phe (NM_001396002.1, NM_001396004.1, NM_198977.2); c.1019C>T, p.Ser340Phe (NM_199002.2); short protein forms S340F, S325F, S292F.
Identifiers: ClinVar variation 2841587 (VCV002841587.3), dbSNP rs1288394081, ClinGen allele CA406054872.
Genomic context (GRCh38, chr19:41,895,445, plus strand): 5'-TGGGGATGCCCTCTCGGGACCGGAATATCGGGGCTCCTGGGCAGGACACCCCTGGAGTCT[C>T]TCTGCACCCTCTGTCCCTGGACAGCCCAGACCGGGAACCAGGTGAGAGTTTCCTGGGCCA-3'
Protein context (NP_004697.2, residues 315-335): GAPGQDTPGV[Ser325Phe]LHPLSLDSPD